The following is an entry in ClinVar:

NM_016169.4(SUFU):c.932C>T (p.Thr311Ile)

Gene: SUFU (SUFU negative regulator of hedgehog signaling; plus strand). Cytogenetic location: 10q24.32.
Variant type: single nucleotide variant.
Coding change: c.932C>T on transcript NM_016169.4 (MANE Select); coding-DNA position 932, C replaced by T.
Protein change: p.Thr311Ile; replaces threonine 311 with isoleucine.
Molecular consequence: missense variant.
Genome position (GRCh38, 1-based): chr10:102,599,454, C>T. VCF-style: chr10-102599454-C-T. GRCh37 (hg19) VCF-style: chr10-104359211-C-T.
Other names: c.932C>T, p.Thr311Ile (NM_001178133.2); short protein forms T311I.
Identifiers: ClinVar variation 5030351 (VCV005030351.1).

ClinVar aggregate classification (germline): Uncertain significance (1 of 4 stars; one submission).

Conditions:
Hereditary cancer-predisposing syndrome. Also called: Neoplastic Syndromes, Hereditary; Tumor predisposition; Hereditary neoplastic syndrome; Hereditary Cancer Syndrome. Identifiers: Orphanet 140162, MedGen C0027672, MeSH D009386, MONDO:0015356.

Submission:

Ambry Genetics
Classification: Uncertain significance for Hereditary cancer-predisposing syndrome. Last evaluated: 2026-07-06. Review status: criteria provided, single submitter. Criteria: Ambry Variant Classification Scheme 2023. Collection method: clinical testing. Allele origin: germline.
Comment: The p.T311I variant (also known as c.932C>T), located in coding exon 8 of the SUFU gene, results from a C to T substitution at nucleotide position 932. The threonine at codon 311 is replaced by isoleucine, an amino acid with similar properties. This amino acid position is conserved. In addition, this alteration is predicted to be tolerated by in silico analysis. Based on the available evidence, the clinical significance of this variant remains unclear.